The following is an entry in ClinVar:

NM_001165963.4(SCN1A):c.4325T>C (p.Val1442Ala)

Genes: SCN1A (sodium voltage-gated channel alpha subunit 1; minus strand), LOC102724058 (uncharacterized LOC102724058; plus strand). Cytogenetic location: 2q24.3.
Variant type: single nucleotide variant.
Coding change: c.4325T>C on transcript NM_001165963.4 (MANE Select); coding-DNA position 4325, T replaced by C.
Protein change: p.Val1442Ala; replaces valine 1442 with alanine.
Molecular consequence: missense variant. On other transcripts: non-coding transcript variant (1).
Genome position (GRCh38, 1-based): chr2:165,999,736, A>G on the plus strand (T>C on the coding strand, the complement: SCN1A is on the minus strand). VCF-style: chr2-165999736-A-G. GRCh37 (hg19) VCF-style: chr2-166856246-A-G.
Other names: c.4241T>C, p.Val1414Ala (NM_001165964.3, NM_001353957.2, NM_001353958.2); c.4325T>C, p.Val1442Ala (NM_001202435.3, NM_001353948.2); c.4292T>C, p.Val1431Ala (NM_001353949.2, NM_001353950.2, NM_001353951.2 and 2 more transcripts); c.4289T>C, p.Val1430Ala (NM_001353954.2, NM_001353955.2); c.4238T>C, p.Val1413Ala (NM_001353960.2); c.1883T>C, p.Val628Ala (NM_001353961.2); short protein forms V1431A, V1430A, V1413A, V1414A, V1442A, V628A.
Identifiers: ClinVar variation 936735 (VCV000936735.12), dbSNP rs1690573756, ClinGen allele CA349049556.
Genomic context (GRCh38, chr2:165,999,736, plus strand): 5'-CACCTGATCAATATTGTAAAAAGACTTAGAATACAAGGAATACTTACATTTCTGGAATCA[A>G]CTGCTGCATACATTATATCCATCCATCCTTTGAATGTGGCCTATTAAGAAGGACATGCAT-3'
Protein context (NP_001159435.1, residues 1432-1452): KGWMDIMYAA[Val1442Ala]DSRNVELQPK

ClinVar aggregate classification (germline): Uncertain significance. Review status: criteria provided, multiple submitters, no conflicts (2 of 4 stars). 2 submissions from 2 submitters: Uncertain significance (2). Last evaluated 2025-08-01.

Conditions:
Early-infantile DEE. Also called: Early infantile epileptic encephalopathy; Early infantile epileptic encephalopathy with suppression bursts; Ohtahara syndrome. Identifiers: Orphanet 1934, MedGen C0393706, MONDO:0800491.

Allele frequency attached by ClinVar (database versions not stated): gnomAD exomes below 0.00001.
gnomAD v4.1: 1 of 1,606,546 alleles (0.000062%); highest among the groups gnomAD compares: East Asian, 0.0022%; no homozygotes.

Submissions (2):

GeneDx
Classification: Uncertain significance. Last evaluated: 2025-08-01. Review status: criteria provided, single submitter. Criteria: GeneDx Variant Classification Process June 2021. Collection method: clinical testing. Allele origin: germline.
Comment: Not observed at significant frequency in large population cohorts (gnomAD); In silico analysis supports that this missense variant has a deleterious effect on protein structure/function; This substitution is predicted to be within the extracellular loop between the S5 and S6 transmembrane segments of the third homologous domain; This variant is associated with the following publications: (PMID: 35944423)

Labcorp Genetics (formerly Invitae), Labcorp
Classification: Uncertain significance for Early-infantile DEE. Last evaluated: 2021-05-17. Review status: criteria provided, single submitter. Criteria: Invitae Variant Classification Sherloc (09022015). Collection method: clinical testing. Allele origin: germline.
Comment: This sequence change replaces valine with alanine at codon 1442 of the SCN1A protein (p.Val1442Ala). The valine residue is highly conserved and there is a small physicochemical difference between valine and alanine. This variant is not present in population databases (ExAC no frequency). This variant has not been reported in the literature in individuals with SCN1A-related conditions. Algorithms developed to predict the effect of missense changes on protein structure and function (SIFT, PolyPhen-2, Align-GVGD) all suggest that this variant is likely to be disruptive, but these predictions have not been confirmed by published functional studies and their clinical significance is uncertain. In summary, the available evidence is currently insufficient to determine the role of this variant in disease. Therefore, it has been classified as a Variant of Uncertain Significance.